The following is an entry in ClinVar:

ClinVar aggregate classification (germline): Uncertain significance. Review status: criteria provided, multiple submitters, no conflicts (2 of 4 stars). 2 submissions from 2 submitters: Uncertain significance (2). Last evaluated 2026-02-08.

Submissions (2):

GeneDx
Classification: Uncertain significance. Last evaluated: 2026-02-08. Review status: criteria provided, single submitter. Criteria: GeneDx Variant Classification Process June 2021. Collection method: clinical testing. Allele origin: germline.
Comment: Not observed at significant frequency in large population cohorts (gnomAD); In silico analysis supports that this missense variant has a deleterious effect on protein structure/function; Has not been previously published as pathogenic or benign to our knowledge

Labcorp Genetics (formerly Invitae), Labcorp
Classification: Uncertain significance. Last evaluated: 2026-01-09. Review status: criteria provided, single submitter. Criteria: Invitae Variant Classification Sherloc (09022015). Collection method: clinical testing. Allele origin: germline.
Comment: This sequence change replaces tryptophan, which is neutral and slightly polar, with serine, which is neutral and polar, at codon 816 of the MTOR protein (p.Trp816Ser). This variant is not present in population databases (gnomAD no frequency). This variant has not been reported in the literature in individuals affected with MTOR-related conditions. ClinVar contains an entry for this variant (Variation ID: 3390724). Invitae Evidence Modeling of protein sequence and biophysical properties (such as structural, functional, and spatial information, amino acid conservation, physicochemical variation, residue mobility, and thermodynamic stability) indicates that this missense variant is not expected to disrupt MTOR protein function with a negative predictive value of 95%. In summary, the available evidence is currently insufficient to determine the role of this variant in disease. Therefore, it has been classified as a Variant of Uncertain Significance.

NM_004958.4(MTOR):c.2447G>C (p.Trp816Ser)

Gene: MTOR (mechanistic target of rapamycin kinase; minus strand). Cytogenetic location: 1p36.22.
Variant type: single nucleotide variant.
Coding change: c.2447G>C on transcript NM_004958.4 (MANE Select); coding-DNA position 2447, G replaced by C.
Protein change: p.Trp816Ser; replaces tryptophan 816 with serine.
Molecular consequence: missense variant.
Genome position (GRCh38, 1-based): chr1:11,232,503, C>G on the plus strand (G>C on the coding strand, the complement: MTOR is on the minus strand). VCF-style: chr1-11232503-C-G. GRCh37 (hg19) VCF-style: chr1-11292560-C-G.
Other names: c.2447G>C, p.Trp816Ser (NM_001386500.1); c.1199G>C, p.Trp400Ser (NM_001386501.1); short protein forms W400S, W816S.
Identifiers: ClinVar variation 3390724 (VCV003390724.3).
Genomic context (GRCh38, chr1:11,232,503, plus strand): 5'-TTGGCCAACAAAGAGGAATCCTGGAGCATGTCCATGATGATAATAAAAAGTTCATCAACC[C>G]ATTTCCTCATTTCCAGGCCACTAACCTGCAAAATGAAAAAGAGGGTGGCAGAAAGGGTTA-3'
Protein context (NP_004949.1, residues 806-826): AQVSGLEMRK[Trp816Ser]VDELFIIIMD